The following is an entry in ClinVar:

NM_004655.4(AXIN2):c.2340G>A (p.Met780Ile)

Gene: AXIN2 (axin 2; minus strand). Cytogenetic location: 17q24.1.
Variant type: single nucleotide variant.
Coding change: c.2340G>A on transcript NM_004655.4 (MANE Select); coding-DNA position 2340, G replaced by A.
Protein change: p.Met780Ile; replaces methionine 780 with isoleucine.
Molecular consequence: missense variant.
Genome position (GRCh38, 1-based): chr17:65,533,977, C>T on the plus strand (G>A on the coding strand, the complement: AXIN2 is on the minus strand). VCF-style: chr17-65533977-C-T. GRCh37 (hg19) VCF-style: chr17-63530095-C-T.
Other names: c.2145G>A, p.Met715Ile (NM_001363813.1); c.2340G>A (LRG_296t1); short protein forms M780I, M715I.
Identifiers: ClinVar variation 533190 (VCV000533190.11), dbSNP rs1555576371, ClinGen allele CA400675464.

ClinVar aggregate classification (germline): Uncertain significance. Review status: criteria provided, multiple submitters, no conflicts (2 of 4 stars). 2 submissions from 2 submitters: Uncertain significance (2). Last evaluated 2025-12-24.

Conditions:
Oligodontia-cancer predisposition syndrome. Also called: TOOTH AGENESIS-COLORECTAL CANCER SYNDROME. Identifiers: Orphanet 300576, MedGen C1837750, MONDO:0012075, OMIM 608615. Disease mechanism: loss of function.

Submissions (2):

Labcorp Genetics (formerly Invitae), Labcorp
Classification: Uncertain significance for Oligodontia-cancer predisposition syndrome. Last evaluated: 2025-12-24. Review status: criteria provided, single submitter. Criteria: Invitae Variant Classification Sherloc (09022015). Collection method: clinical testing. Allele origin: germline.
Comment: This sequence change replaces methionine, which is neutral and non-polar, with isoleucine, which is neutral and non-polar, at codon 780 of the AXIN2 protein (p.Met780Ile). This variant is not present in population databases (gnomAD no frequency). This variant has not been reported in the literature in individuals affected with AXIN2-related conditions. ClinVar contains an entry for this variant (Variation ID: 533190). Invitae Evidence Modeling of protein sequence and biophysical properties (such as structural, functional, and spatial information, amino acid conservation, physicochemical variation, residue mobility, and thermodynamic stability) indicates that this missense variant is not expected to disrupt AXIN2 protein function with a negative predictive value of 80%. In summary, the available evidence is currently insufficient to determine the role of this variant in disease. Therefore, it has been classified as a Variant of Uncertain Significance.

Breakthrough Genomics
Classification: Uncertain significance. Review status: criteria provided, single submitter. Criteria: ACMG Guidelines, 2015. Collection method: not provided. Allele origin: germline. Inheritance: Autosomal recessive inheritance. Affected: yes.